The following is an entry in ClinVar:

ClinVar aggregate classification (germline): Likely benign. Review status: criteria provided, multiple submitters, no conflicts (2 of 4 stars). 5 submissions from 5 submitters: Likely benign (5). Last evaluated 2026-01-10.

Conditions:
Autosomal dominant hypocalcemia 1 (HYPOC1). Also called: HYPOCALCEMIA, FAMILIAL. Identifiers: MedGen C3715128, MONDO:0011013, OMIM 601198.
Neonatal severe primary hyperparathyroidism. Identifiers: Orphanet 417, MedGen C1832615, MONDO:0009397, OMIM 239200.
Epilepsy, idiopathic generalized, susceptibility to, 8. Identifiers: MedGen C2752062, MONDO:0013032, OMIM 612899.
Familial hypocalciuric hypercalcemia 1. Also called: Hypercalcemia, familial benign type 1. Identifiers: Orphanet 405, Orphanet 93372, MedGen C0342637, MONDO:0007791, OMIM 145980.
Familial hypocalciuric hypercalcemia (FHH). Also called: Familial benign hypercalcemia. Identifiers: Orphanet 405, MedGen C1809471, MONDO:0018458.

Allele frequency attached by ClinVar (database versions not stated): ExAC 0.00001; gnomAD exomes 0.00001; gnomAD 0.00002; TOPMed 0.00005; ESP Exome Variant Server 0.00008.
gnomAD v4.1: 21 of 1,606,682 alleles (0.0013%); highest among the groups gnomAD compares: African/African-American, 0.019%; no homozygotes.

Submissions (5):

Labcorp Genetics (formerly Invitae), Labcorp
Classification: Likely benign for Familial hypocalciuric hypercalcemia; Autosomal dominant hypocalcemia 1. Last evaluated: 2026-01-10. Review status: criteria provided, single submitter. Criteria: Invitae Variant Classification Sherloc (09022015). Collection method: clinical testing. Allele origin: germline.

Center for Genomic Medicine, Rigshospitalet, Copenhagen University Hospital
Classification: Likely benign. Last evaluated: 2025-03-04. Review status: criteria provided, single submitter. Criteria: ACMG Guidelines, 2015. Collection method: clinical testing. Allele origin: germline.

Blueprint Genetics
Classification: Likely benign. Last evaluated: 2024-08-28. Review status: criteria provided, single submitter. Criteria: ACMG Guidelines, 2015. Collection method: clinical testing. Allele origin: germline.

Fulgent Genetics
Classification: Likely benign for Familial hypocalciuric hypercalcemia 1; Neonatal severe primary hyperparathyroidism; Autosomal dominant hypocalcemia 1; Epilepsy, idiopathic generalized, susceptibility to, 8. Last evaluated: 2021-11-18. Review status: criteria provided, single submitter. Criteria: ACMG Guidelines, 2015. Collection method: clinical testing. Allele origin: unknown.

GeneDx
Classification: Likely benign. Last evaluated: 2017-12-13. Review status: criteria provided, single submitter. Criteria: GeneDx Variant Classification (06012015). Collection method: clinical testing. Allele origin: germline. Affected: yes.
Comment: This variant is considered likely benign or benign based on one or more of the following criteria: it is a conservative change, it occurs at a poorly conserved position in the protein, it is predicted to be benign by multiple in silico algorithms, and/or has population frequency not consistent with disease.

NM_000388.4(CASR):c.1377+17T>C

Gene: CASR (calcium sensing receptor; plus strand). Cytogenetic location: 3q21.1.
Variant type: single nucleotide variant.
Coding change: c.1377+17T>C on transcript NM_000388.4 (MANE Select); 17 bases into the intron after coding-DNA position 1377, T replaced by C.
Molecular consequence: intron variant.
Genome position (GRCh38, 1-based): chr3:122,262,429, T>C. VCF-style: chr3-122262429-T-C. GRCh37 (hg19) VCF-style: chr3-121981276-T-C.
Other names: c.1377+17T>C (NM_001178065.2).
Identifiers: ClinVar variation 512318 (VCV000512318.13), dbSNP rs200650843, ClinGen allele CA2569631.